The following is an entry in ClinVar:

NM_007118.4(TRIO):c.7334C>A (p.Pro2445Gln)

Gene: TRIO (trio Rho guanine nucleotide exchange factor; plus strand). Cytogenetic location: 5p15.2.
Variant type: single nucleotide variant.
Coding change: c.7334C>A on transcript NM_007118.4 (MANE Select); coding-DNA position 7334, C replaced by A.
Protein change: p.Pro2445Gln; replaces proline 2445 with glutamine.
Molecular consequence: missense variant.
Genome position (GRCh38, 1-based): chr5:14,487,962, C>A. VCF-style: chr5-14487962-C-A. GRCh37 (hg19) VCF-style: chr5-14488071-C-A.
Other names: short protein forms P2445Q.
Identifiers: ClinVar variation 1313122 (VCV001313122.2), dbSNP rs1300607085, ClinGen allele CA359237270.

ClinVar aggregate classification (germline): Uncertain significance (1 of 4 stars; one submission).

gnomAD v4.1: 1 of 1,551,096 alleles (0.000064%); highest among the groups gnomAD compares: Non-Finnish European, 0.000087%; no homozygotes.

Submission:

GeneDx
Classification: Uncertain significance. Last evaluated: 2020-01-24. Review status: criteria provided, single submitter. Criteria: GeneDx Variant Classification Process June 2021. Collection method: clinical testing. Allele origin: germline. Affected: yes.
Comment: Not observed in large population cohorts (Lek et al., 2016); In-silico analysis, which includes splice predictors and evolutionary conservation, is inconclusive as to whether the variant alters gene splicing. In the absence of RNA/functional studies, the actual effect of this sequence change is unknown.; In silico analysis, which includes protein predictors and evolutionary conservation, supports that this variant does not alter protein structure/function; Has not been previously published as pathogenic or benign to our knowledge